The following is an entry in ClinVar:

NM_001042545.2(LTBP4):c.3557-1G>C

Gene: LTBP4 (latent transforming growth factor beta binding protein 4; plus strand). Cytogenetic location: 19q13.2.
Variant type: single nucleotide variant.
Coding change: c.3557-1G>C on transcript NM_001042545.2 (MANE Select); the canonical splice acceptor site of the intron before coding-DNA position 3557, G replaced by C.
Molecular consequence: splice acceptor variant.
Genome position (GRCh38, 1-based): chr19:40,623,603, G>C. VCF-style: chr19-40623603-G-C. GRCh37 (hg19) VCF-style: chr19-41129508-G-C.
Other names: c.3647-1G>C (NM_003573.2); c.3758-1G>C (NM_001042544.1).
Identifiers: ClinVar variation 2756701 (VCV002756701.3), dbSNP rs2515386007, ClinGen allele CA405907835.

ClinVar aggregate classification (germline): Likely pathogenic (1 of 4 stars; one submission).

Submission:

Labcorp Genetics (formerly Invitae), Labcorp
Classification: Likely pathogenic. Last evaluated: 2024-01-31. Review status: criteria provided, single submitter. Criteria: Invitae Variant Classification Sherloc (09022015). Collection method: clinical testing. Allele origin: germline.
Comment: This sequence change affects an acceptor splice site in intron 27 of the LTBP4 gene. It is expected to disrupt RNA splicing. Variants that disrupt the donor or acceptor splice site typically lead to a loss of protein function (PMID: 16199547), and loss-of-function variants in LTBP4 are known to be pathogenic (PMID: 19836010, 22829427). This variant is not present in population databases (gnomAD no frequency). This variant has not been reported in the literature in individuals affected with LTBP4-related conditions. Algorithms developed to predict the effect of sequence changes on RNA splicing suggest that this variant may disrupt the consensus splice site. In summary, the currently available evidence indicates that the variant is pathogenic, but additional data are needed to prove that conclusively. Therefore, this variant has been classified as Likely Pathogenic.

Literature cited by the submitters: PubMed 16199547; PubMed 19836010; PubMed 22829427.